The following is an entry in ClinVar:

NM_000431.4(MVK):c.405G>A (p.Ser135=)

Gene: MVK (mevalonate kinase; plus strand). Cytogenetic location: 12q24.11.
Variant type: single nucleotide variant.
Coding change: c.405G>A on transcript NM_000431.4 (MANE Select); coding-DNA position 405, G replaced by A.
Protein change: p.Ser135=; no amino-acid change (serine 135 retained).
Molecular consequence: synonymous variant. On other transcripts: intron variant (1).
Genome position (GRCh38, 1-based): chr12:109,581,428, G>A. VCF-style: chr12-109581428-G-A. GRCh37 (hg19) VCF-style: chr12-110019233-G-A.
Other names: p.Ser135=; c.405G>A, p.Ser135= (NM_001114185.3); c.371+1482G>A (NM_001301182.2).
Identifiers: ClinVar variation 129639 (VCV000129639.50), dbSNP rs34368092, ClinGen allele CA153754.

ClinVar aggregate classification (germline): Benign/Likely benign. Review status: criteria provided, multiple submitters, no conflicts (2 of 4 stars). 15 submissions from 14 submitters: Benign (11); Likely benign (1). 3 of the submissions do not count toward it. Last evaluated 2026-02-04.

Conditions:
Autoinflammatory syndrome. Identifiers: Orphanet 93665, MedGen C3890737, MONDO:0019751.
Porokeratosis 3, disseminated superficial actinic type (POROK3). Also called: POROKERATOSIS 3, MULTIPLE TYPES; POROKERATOSIS 3, MIBELLI TYPE; POROKERATOSIS, DISSEMINATED SUPERFICIAL ACTINIC, 1. Identifiers: MedGen C1867981, MONDO:0008293, OMIM 175900.
Hyperimmunoglobulin D with periodic fever (HIDS). Also called: Hyperimmunoglobulinemia D; Hyperimmunoglobulinemia D with periodic fever; HYPERIMMUNOGLOBULINEMIA D AND PERIODIC FEVER SYNDROME. Identifiers: Orphanet 343, MedGen C0398691, MONDO:0009849, OMIM 260920.
Mevalonic aciduria (MEVA). Identifiers: Orphanet 29, MedGen C1959626, MONDO:0012481, OMIM 610377.

Allele frequency attached by ClinVar (database versions not stated): 1000 Genomes Project 30x 0.03326; ESP Exome Variant Server 0.05151; 1000 Genomes Project 0.03215; TOPMed 0.04461; ExAC 0.04696; gnomAD 0.05306 and 0.05115; gnomAD exomes 0.04493 and 0.04777.
gnomAD v4.1: 77,520 of 1,614,080 alleles (4.8%); highest among the groups gnomAD compares: Middle Eastern, 5.9%; 2,437 homozygotes.

Submissions 1 to 25 of 36:

Labcorp Genetics (formerly Invitae), Labcorp
Classification: Benign for Mevalonic aciduria; Hyperimmunoglobulin D with periodic fever; Porokeratosis 3, disseminated superficial actinic type. Last evaluated: 2026-02-04. Review status: criteria provided, single submitter. Criteria: Invitae Variant Classification Sherloc (09022015). Collection method: clinical testing. Allele origin: germline.

Women's Health and Genetics/Laboratory Corporation of America, LabCorp
Classification: Benign. Last evaluated: 2026-01-22. Review status: criteria provided, single submitter. Criteria: LabCorp Variant Classification Summary - May 2015. Collection method: clinical testing. Allele origin: germline.
Comment: Variant summary: MVK c.405G>A alters a conserved nucleotide resulting in a synonymous change. The variant allele was found at a frequency of 0.045 in 251052 control chromosomes in the gnomAD database, including 375 homozygotes. The observed variant frequency exceeds the estimated maximal expected allele frequency for disease-causing variants in MVK. c.405G>A has been observed in individual(s) affected with clinical features of Hyperimmunoglobulin D with periodic fever (example, Stojanov_2004, D'Osualdo_2005) without strong evidence of causality. These report(s) do not provide unequivocal conclusions about association of the variant with Hyperimmunoglobulin D with periodic fever. To our knowledge, no experimental evidence demonstrating an impact on protein function has been reported. ClinVar contains an entry for this variant (Variation ID: 129639). Based on the evidence outlined above, the variant was classified as benign.

ARUP Laboratories, Molecular Genetics and Genomics, ARUP Laboratories
Classification: Benign. Last evaluated: 2025-06-17. Review status: criteria provided, single submitter. Criteria: ARUP Molecular Germline Variant Investigation Process 2024. Collection method: clinical testing. Allele origin: germline.

Blueprint Genetics
Classification: Likely benign. Last evaluated: 2024-11-27. Review status: criteria provided, single submitter. Criteria: ACMG Guidelines, 2015. Collection method: clinical testing. Allele origin: germline.

Mayo Clinic Laboratories, Mayo Clinic
Classification: Benign. Last evaluated: 2022-04-29. Review status: criteria provided, single submitter. Criteria: ACMG Guidelines, 2015. Collection method: clinical testing. Allele origin: germline. Observed: 221 variant alleles.

Illumina Laboratory Services, Illumina
Classification: Benign for Hyperimmunoglobulin D with periodic fever. Last evaluated: 2018-01-13. Review status: criteria provided, single submitter. Criteria: ICSL Variant Classification Criteria 13 December 2019. Collection method: clinical testing. Allele origin: germline.
Comment: This variant was observed in the ICSL laboratory as part of a predisposition screen in an ostensibly healthy population. It had not been previously curated by ICSL or reported in the Human Gene Mutation Database (HGMD: prior to June 1st, 2018), and was therefore a candidate for classification through an automated scoring system. Utilizing variant allele frequency, disease prevalence and penetrance estimates, and inheritance mode, an automated score was calculated to assess if this variant is too frequent to cause the disease. Based on the score and internal cut-off values, a variant classified as benign is not then subjected to further curation. The score for this variant resulted in a classification of benign for this disease.

Illumina Laboratory Services, Illumina
Classification: Benign for Mevalonic aciduria. Last evaluated: 2018-01-13. Review status: criteria provided, single submitter. Criteria: ICSL Variant Classification Criteria 13 December 2019. Collection method: clinical testing. Allele origin: germline.
Comment: the same text as in the submission from Illumina Laboratory Services, Illumina above.

Genome Diagnostics Laboratory, The Hospital for Sick Children
Classification: Benign for Autoinflammatory syndrome. Last evaluated: 2016-12-12. Review status: criteria provided, single submitter. Criteria: ACMG Guidelines, 2015. Collection method: clinical testing. Allele origin: germline. Affected: yes.

Laboratory for Molecular Medicine, Mass General Brigham Personalized Medicine
Classification: Benign. Last evaluated: 2016-03-28. Review status: criteria provided, single submitter. Criteria: LMM Criteria. Collection method: clinical testing. Allele origin: germline.
Comment: Variant identified in a genome or exome case(s) and assessed due to predicted null impact of the variant or pathogenic assertions in the literature or databases. Disclaimer: This variant has not undergone full assessment. The following are preliminary notes: MAF

GeneDx
Classification: Benign. Last evaluated: 2015-03-03. Review status: criteria provided, single submitter. Criteria: GeneDx Variant Classification Process June 2021. Collection method: clinical testing. Allele origin: germline. Affected: yes.

Breakthrough Genomics
Classification: Benign. Review status: criteria provided, single submitter. Criteria: ACMG Guidelines, 2015. Collection method: not provided. Allele origin: germline. Inheritance: Autosomal recessive inheritance. Affected: yes.

PreventionGenetics, part of Exact Sciences
Classification: Benign. Review status: criteria provided, single submitter. Criteria: ACMG Guidelines, 2015. Collection method: clinical testing. Allele origin: germline.

Dr. Peter K. Rogan Lab, Western University
No classification provided (evidence only). Condition: Acute myeloid leukemia. Review status: no classification provided. Collection method: in vitro. Allele origin: not applicable. Functional consequence: retained intron. Not counted in ClinVar's aggregate classification.

Dr. Peter K. Rogan Lab, Western University
No classification provided (evidence only). Condition: Acute myeloid leukemia. Review status: no classification provided. Collection method: in vitro. Allele origin: not applicable. Functional consequence: retained intron. Not counted in ClinVar's aggregate classification.

Dr. Peter K. Rogan Lab, Western University
No classification provided (evidence only). Condition: Acute myeloid leukemia. Review status: no classification provided. Collection method: in vitro. Allele origin: not applicable. Functional consequence: skipped exon. Not counted in ClinVar's aggregate classification.

Dr. Peter K. Rogan Lab, Western University
No classification provided (evidence only). Condition: Colorectal cancer. Review status: no classification provided. Collection method: in vitro. Allele origin: not applicable. Functional consequence: retained intron. Not counted in ClinVar's aggregate classification.

Dr. Peter K. Rogan Lab, Western University
No classification provided (evidence only). Condition: Colorectal cancer. Review status: no classification provided. Collection method: in vitro. Allele origin: not applicable. Functional consequence: skipped exon, retained intron. Not counted in ClinVar's aggregate classification.

Dr. Peter K. Rogan Lab, Western University
No classification provided (evidence only). Condition: Nonpapillary renal cell carcinoma. Review status: no classification provided. Collection method: in vitro. Allele origin: not applicable. Functional consequence: skipped exon, retained intron. Not counted in ClinVar's aggregate classification.

Dr. Peter K. Rogan Lab, Western University
No classification provided (evidence only). Condition: Nonpapillary renal cell carcinoma. Review status: no classification provided. Collection method: in vitro. Allele origin: not applicable. Functional consequence: skipped exon. Not counted in ClinVar's aggregate classification.

Dr. Peter K. Rogan Lab, Western University
No classification provided (evidence only). Condition: Nonpapillary renal cell carcinoma. Review status: no classification provided. Collection method: in vitro. Allele origin: not applicable. Functional consequence: skipped exon, retained intron. Not counted in ClinVar's aggregate classification.

Dr. Peter K. Rogan Lab, Western University
No classification provided (evidence only). Condition: Thymoma. Review status: no classification provided. Collection method: in vitro. Allele origin: not applicable. Functional consequence: skipped exon. Not counted in ClinVar's aggregate classification.

Dr. Peter K. Rogan Lab, Western University
No classification provided (evidence only). Condition: Thymoma. Review status: no classification provided. Collection method: in vitro. Allele origin: not applicable. Functional consequence: skipped exon, retained intron. Not counted in ClinVar's aggregate classification.

Dr. Peter K. Rogan Lab, Western University
No classification provided (evidence only). Condition: Thymoma. Review status: no classification provided. Collection method: in vitro. Allele origin: not applicable. Functional consequence: retained intron. Not counted in ClinVar's aggregate classification.

Dr. Peter K. Rogan Lab, Western University
No classification provided (evidence only). Condition: Thymoma. Review status: no classification provided. Collection method: in vitro. Allele origin: not applicable. Functional consequence: skipped exon. Not counted in ClinVar's aggregate classification.

Dr. Peter K. Rogan Lab, Western University
No classification provided (evidence only). Condition: Cholangiocarcinoma. Review status: no classification provided. Collection method: in vitro. Allele origin: not applicable. Functional consequence: skipped exon. Not counted in ClinVar's aggregate classification.